The following is an entry in ClinVar:

NM_004100.5(EYA4):c.313A>C (p.Ser105Arg)

Genes: EYA4-AS2 (EYA4 antisense RNA 2; minus strand), EYA4 (EYA transcriptional coactivator and phosphatase 4; plus strand). Cytogenetic location: 6q23.2.
Variant type: single nucleotide variant.
Coding change: c.313A>C on transcript NM_004100.5 (MANE Select); coding-DNA position 313, A replaced by C.
Protein change: p.Ser105Arg; replaces serine 105 with arginine.
Molecular consequence: missense variant. On other transcripts: intron variant (2).
Genome position (GRCh38, 1-based): chr6:133,456,591, A>C. VCF-style: chr6-133456591-A-C. GRCh37 (hg19) VCF-style: chr6-133777729-A-C.
Other names: c.313A>C, p.Ser105Arg (NM_001301013.2, NM_172105.4); c.244A>C, p.Ser82Arg (NM_001370458.1, NM_172103.4); c.209-4523A>C (NM_001370459.1, NM_001301012.2); short protein forms S105R, S82R.
Identifiers: ClinVar variation 410659 (VCV000410659.8), dbSNP rs1060502994, ClinGen allele CA16611955.

ClinVar aggregate classification (germline): Uncertain significance (1 of 4 stars; one submission).

Conditions:
Dilated cardiomyopathy 1J (CMD1J). Also called: CARDIOMYOPATHY, DILATED, WITH SENSORINEURAL HEARING LOSS, AUTOSOMAL DOMINANT. Identifiers: Orphanet 217622, MedGen C1854368, MONDO:0011541, OMIM 605362.

Submission:

Labcorp Genetics (formerly Invitae), Labcorp
Classification: Uncertain significance for Dilated cardiomyopathy 1J. Last evaluated: 2016-06-01. Review status: criteria provided, single submitter. Criteria: Invitae Variant Classification Sherloc (09022015). Collection method: clinical testing. Allele origin: germline.
Comment: In summary, this variant is a novel missense change with uncertain impact on protein function. It has been classified as a Variant of Uncertain Significance. Algorithms developed to predict the effect of missense changes on protein structure and function do not agree on the potential impact of this missense change (SIFT: "Deleterious"; PolyPhen-2: "Benign"; Align-GVGD: "Class C0"). This variant is not present in population databases (ExAC no frequency) and has not been reported in the literature in individuals with an EYA4-related disease. This sequence change replaces serine with arginine at codon 105 of the EYA4 protein (p.Ser105Arg). The serine residue is moderately conserved and there is a moderate physicochemical difference between serine and arginine.